The following is an entry in ClinVar:

ClinVar aggregate classification (germline): Uncertain significance (1 of 4 stars; one submission).

Conditions:
Fanconi anemia complementation group E (FANCE). Also called: FANCE-Related Fanconi Anemia. Identifiers: Orphanet 84, MedGen C3160739, MONDO:0010953, OMIM 600901.

Allele frequency attached by ClinVar (database versions not stated): gnomAD exomes below 0.00001 and 0.00001.
gnomAD v4.1: 3 of 1,614,242 alleles (0.00019%); highest among the groups gnomAD compares: Admixed American, 0.005%; no homozygotes.

Submission:

Labcorp Genetics (formerly Invitae), Labcorp
Classification: Uncertain significance for Fanconi anemia complementation group E. Last evaluated: 2025-03-18. Review status: criteria provided, single submitter. Criteria: Invitae Variant Classification Sherloc (09022015). Collection method: clinical testing. Allele origin: germline.
Comment: This sequence change replaces threonine, which is neutral and polar, with isoleucine, which is neutral and non-polar, at codon 495 of the FANCE protein (p.Thr495Ile). This variant is present in population databases (no rsID available, gnomAD 0.006%). This variant has not been reported in the literature in individuals affected with FANCE-related conditions. ClinVar contains an entry for this variant (Variation ID: 1449276). Invitae Evidence Modeling of protein sequence and biophysical properties (such as structural, functional, and spatial information, amino acid conservation, physicochemical variation, residue mobility, and thermodynamic stability) indicates that this missense variant is expected to disrupt FANCE protein function with a positive predictive value of 80%. In summary, the available evidence is currently insufficient to determine the role of this variant in disease. Therefore, it has been classified as a Variant of Uncertain Significance.

NM_021922.3(FANCE):c.1484C>T (p.Thr495Ile)

Gene: FANCE (FA complementation group E; plus strand). Cytogenetic location: 6p21.31.
Variant type: single nucleotide variant.
Coding change: c.1484C>T on transcript NM_021922.3 (MANE Select); coding-DNA position 1484, C replaced by T.
Protein change: p.Thr495Ile; replaces threonine 495 with isoleucine.
Molecular consequence: missense variant.
Genome position (GRCh38, 1-based): chr6:35,462,889, C>T. VCF-style: chr6-35462889-C-T. GRCh37 (hg19) VCF-style: chr6-35430666-C-T.
Other names: short protein forms T495I.
Identifiers: ClinVar variation 1449276 (VCV001449276.6), dbSNP rs1442055811, ClinGen allele CA363778057.